The following is an entry in ClinVar:

ClinVar aggregate classification (germline): Likely benign (0 of 4 stars; one submission).

Conditions:
TBC1D8B-related disorder. Also called: TBC1D8B-related condition.

Allele frequency attached by ClinVar (database versions not stated): TOPMed below 0.00001; gnomAD 0.00006; ExAC 0.00029; 1000 Genomes Project 0.00053; 1000 Genomes Project 30x 0.00062.
gnomAD v4.1: 107 of 1,138,126 alleles (0.0094%); highest among the groups gnomAD compares: South Asian, 0.2%; no homozygotes.

Submission:

PreventionGenetics, part of Exact Sciences
Classification: Likely benign for TBC1D8B-related condition. Last evaluated: 2023-01-10. Review status: no assertion criteria provided. Collection method: clinical testing. Allele origin: germline.
Comment: This variant is classified as likely benign based on ACMG/AMP sequence variant interpretation guidelines (Richards et al. 2015 PMID: 25741868, with internal and published modifications).

NM_017752.3(TBC1D8B):c.242-6A>C

Gene: TBC1D8B (TBC1 domain family member 8B; plus strand). Cytogenetic location: Xq22.3.
Variant type: single nucleotide variant.
Coding change: c.242-6A>C on transcript NM_017752.3 (MANE Select); 6 bases into the intron before coding-DNA position 242, A replaced by C.
Molecular consequence: intron variant.
Genome position (GRCh38, 1-based): chrX:106,820,871, A>C. VCF-style: chrX-106820871-A-C. GRCh37 (hg19) VCF-style: chrX-106064101-A-C.
Other names: c.242-6A>C (NM_198881.2).
Identifiers: ClinVar variation 3036227 (VCV003036227.2), dbSNP rs753165771, ClinGen allele CA10482929.